The following is an entry in ClinVar:

NM_003718.5(CDK13):c.3376C>G (p.Leu1126Val)

Gene: CDK13 (cyclin dependent kinase 13; plus strand). Cytogenetic location: 7p14.1.
Variant type: single nucleotide variant.
Coding change: c.3376C>G on transcript NM_003718.5 (MANE Select); coding-DNA position 3376, C replaced by G.
Protein change: p.Leu1126Val; replaces leucine 1126 with valine.
Molecular consequence: missense variant. On other transcripts: intron variant (1).
Genome position (GRCh38, 1-based): chr7:40,092,925, C>G. VCF-style: chr7-40092925-C-G. GRCh37 (hg19) VCF-style: chr7-40132524-C-G.
Other names: c.3236-40C>G (NM_031267.3); short protein forms L1126V.
Identifiers: ClinVar variation 3714113 (VCV003714113.2).

ClinVar aggregate classification (germline): Uncertain significance (1 of 4 stars; one submission).

gnomAD v4.1: 3 of 1,613,960 alleles (0.00019%); highest among the groups gnomAD compares: African/African-American, 0.004%; no homozygotes.

Submission:

Labcorp Genetics (formerly Invitae), Labcorp
Classification: Uncertain significance. Last evaluated: 2024-10-20. Review status: criteria provided, single submitter. Criteria: Invitae Variant Classification Sherloc (09022015). Collection method: clinical testing. Allele origin: germline.
Comment: This sequence change replaces leucine, which is neutral and non-polar, with valine, which is neutral and non-polar, at codon 1126 of the CDK13 protein (p.Leu1126Val). This variant is present in population databases (no rsID available, gnomAD 0.01%). This variant has not been reported in the literature in individuals affected with CDK13-related conditions. Invitae Evidence Modeling of protein sequence and biophysical properties (such as structural, functional, and spatial information, amino acid conservation, physicochemical variation, residue mobility, and thermodynamic stability) indicates that this missense variant is expected to disrupt CDK13 protein function with a positive predictive value of 95%. In summary, the available evidence is currently insufficient to determine the role of this variant in disease. Therefore, it has been classified as a Variant of Uncertain Significance.